The following is an entry in ClinVar:

ClinVar aggregate classification (germline): Likely pathogenic (1 of 4 stars; one submission).

Allele frequency attached by ClinVar (database versions not stated): gnomAD exomes below 0.00001.
gnomAD v4.1: 1 of 1,613,884 alleles (0.000062%); highest among the groups gnomAD compares: Non-Finnish European, 0.000085%; no homozygotes.

Submission:

Labcorp Genetics (formerly Invitae), Labcorp
Classification: Likely pathogenic. Last evaluated: 2022-04-26. Review status: criteria provided, single submitter. Criteria: Invitae Variant Classification Sherloc (09022015). Collection method: clinical testing. Allele origin: germline.
Comment: Algorithms developed to predict the effect of sequence changes on RNA splicing suggest that this variant may disrupt the consensus splice site. This variant has not been reported in the literature in individuals affected with RBP4-related conditions. This variant is not present in population databases (gnomAD no frequency). This sequence change affects a donor splice site in intron 4 of the RBP4 gene. It is expected to disrupt RNA splicing. Variants that disrupt the donor or acceptor splice site typically lead to a loss of protein function (PMID: 16199547), and loss-of-function variants in RBP4 are known to be pathogenic (PMID: 23189188, 26974396, 28041643). In summary, the currently available evidence indicates that the variant is pathogenic, but additional data are needed to prove that conclusively. Therefore, this variant has been classified as Likely Pathogenic.

Literature cited by the submitters: PubMed 16199547; PubMed 23189188; PubMed 26974396; PubMed 28041643.

NM_006744.4(RBP4):c.355+1G>A

Gene: RBP4 (retinol binding protein 4; minus strand). Cytogenetic location: 10q23.33.
Variant type: single nucleotide variant.
Coding change: c.355+1G>A on transcript NM_006744.4 (MANE Select); the canonical splice donor site of the intron after coding-DNA position 355, G replaced by A.
Molecular consequence: splice donor variant.
Genome position (GRCh38, 1-based): chr10:93,600,392, C>T on the plus strand (G>A on the coding strand, the complement: RBP4 is on the minus strand). VCF-style: chr10-93600392-C-T. GRCh37 (hg19) VCF-style: chr10-95360149-C-T.
Other names: c.349+1G>A (NM_001323518.2); c.355+1G>A (NM_001323517.1).
Identifiers: ClinVar variation 2130363 (VCV002130363.4), dbSNP rs113712384, ClinGen allele CA211557738.